The following is an entry in ClinVar:

ClinVar aggregate classification (germline): Uncertain significance (1 of 4 stars; one submission).

gnomAD v4.1: 2 of 1,210,337 alleles (0.00017%); highest among the groups gnomAD compares: South Asian, 0.0035%; no homozygotes.

Submission:

GeneDx
Classification: Uncertain significance. Last evaluated: 2024-01-17. Review status: criteria provided, single submitter. Criteria: GeneDx Variant Classification Process June 2021. Collection method: clinical testing. Allele origin: germline. Affected: yes.
Comment: Not observed at significant frequency in large population cohorts (gnomAD); In silico analysis supports that this missense variant has a deleterious effect on protein structure/function; Occurs in the triple helical domain at the X position in the canonical Gly-X-Y repeat; although this variant may have an effect on normal protein folding and function, missense substitution at the X position is not a common mechanism of disease; Has not been previously published as pathogenic or benign to our knowledge

NM_033380.3(COL4A5):c.2852C>G (p.Pro951Arg)

Gene: COL4A5 (collagen type IV alpha 5 chain; plus strand). Cytogenetic location: Xq22.3.
Variant type: single nucleotide variant.
Coding change: c.2852C>G on transcript NM_033380.3 (MANE Select); coding-DNA position 2852, C replaced by G.
Protein change: p.Pro951Arg; replaces proline 951 with arginine.
Molecular consequence: missense variant.
Genome position (GRCh38, 1-based): chrX:108,622,760, C>G. VCF-style: chrX-108622760-C-G. GRCh37 (hg19) VCF-style: chrX-107865990-C-G.
Other names: c.2852C>G, p.Pro951Arg (NM_000495.5); short protein forms P951R.
Identifiers: ClinVar variation 3367860 (VCV003367860.1).